The following is an entry in ClinVar:

NM_000428.3(LTBP2):c.3173G>A (p.Arg1058Gln)

Gene: LTBP2 (latent transforming growth factor beta binding protein 2; minus strand). Cytogenetic location: 14q24.3.
Variant type: single nucleotide variant.
Coding change: c.3173G>A on transcript NM_000428.3 (MANE Select); coding-DNA position 3173, G replaced by A.
Protein change: p.Arg1058Gln; replaces arginine 1058 with glutamine.
Molecular consequence: missense variant.
Genome position (GRCh38, 1-based): chr14:74,509,838, C>T on the plus strand (G>A on the coding strand, the complement: LTBP2 is on the minus strand). VCF-style: chr14-74509838-C-T. GRCh37 (hg19) VCF-style: chr14-74976541-C-T.
Other names: c.3173G>A (NM_000428.2); short protein forms R1058Q.
Identifiers: ClinVar variation 1389575 (VCV001389575.5), dbSNP rs775130463, ClinGen allele CA7269262.

ClinVar aggregate classification (germline): Uncertain significance. Review status: criteria provided, multiple submitters, no conflicts (2 of 4 stars). 2 submissions from 2 submitters: Uncertain significance (2). Last evaluated 2025-06-30.

Conditions:
Inborn genetic diseases. Identifiers: MedGen C0950123, MeSH D030342.

Allele frequency attached by ClinVar (database versions not stated): ExAC 0.00002; gnomAD 0.00002; gnomAD exomes 0.00002; TOPMed 0.00003.

Submissions (2):

Ambry Genetics
Classification: Uncertain significance for Inborn genetic diseases. Last evaluated: 2025-06-30. Review status: criteria provided, single submitter. Criteria: Ambry Variant Classification Scheme 2023. Collection method: clinical testing. Allele origin: germline.

Labcorp Genetics (formerly Invitae), Labcorp
Classification: Uncertain significance. Last evaluated: 2024-06-03. Review status: criteria provided, single submitter. Criteria: Invitae Variant Classification Sherloc (09022015). Collection method: clinical testing. Allele origin: germline.
Comment: This sequence change replaces arginine, which is basic and polar, with glutamine, which is neutral and polar, at codon 1058 of the LTBP2 protein (p.Arg1058Gln). This variant is present in population databases (rs775130463, gnomAD 0.007%). This variant has not been reported in the literature in individuals affected with LTBP2-related conditions. ClinVar contains an entry for this variant (Variation ID: 1389575). An algorithm developed to predict the effect of missense changes on protein structure and function (PolyPhen-2) suggests that this variant is likely to be disruptive. In summary, the available evidence is currently insufficient to determine the role of this variant in disease. Therefore, it has been classified as a Variant of Uncertain Significance.